The following is an entry in ClinVar:

NM_024642.5(GALNT12):c.1295T>C (p.Val432Ala)

Gene: GALNT12 (polypeptide N-acetylgalactosaminyltransferase 12; plus strand). Cytogenetic location: 9q22.33.
Variant type: single nucleotide variant.
Coding change: c.1295T>C on transcript NM_024642.5 (MANE Select); coding-DNA position 1295, T replaced by C.
Protein change: p.Val432Ala; replaces valine 432 with alanine.
Molecular consequence: missense variant.
Genome position (GRCh38, 1-based): chr9:98,840,084, T>C. VCF-style: chr9-98840084-T-C. GRCh37 (hg19) VCF-style: chr9-101602366-T-C.
Other names: short protein forms V432A.
Identifiers: ClinVar variation 1035047 (VCV001035047.8), dbSNP rs1836250046, ClinGen allele CA374221062.

ClinVar aggregate classification (germline): Uncertain significance (1 of 4 stars; one submission).

Submission:

Labcorp Genetics (formerly Invitae), Labcorp
Classification: Uncertain significance. Last evaluated: 2018-05-30. Review status: criteria provided, single submitter. Criteria: Invitae Variant Classification Sherloc (09022015). Collection method: clinical testing. Allele origin: germline.
Comment: This sequence change replaces valine with alanine at codon 432 of the GALNT12 protein (p.Val432Ala). The valine residue is moderately conserved and there is a small physicochemical difference between valine and alanine. This variant is not present in population databases (ExAC no frequency). This variant has not been reported in the literature in individuals with GALNT12-related disease. Algorithms developed to predict the effect of missense changes on protein structure and function are either unavailable or do not agree on the potential impact of this missense change (SIFT: "Deleterious"; PolyPhen-2: "Possibly Damaging"; Align-GVGD: "Class C0"). In summary, the available evidence is currently insufficient to determine the role of this variant in disease. Therefore, it has been classified as a Variant of Uncertain Significance.